The following is an entry in ClinVar:

ClinVar aggregate classification (germline): Likely pathogenic (1 of 4 stars; one submission).

Conditions:
CEP164-related disorder. Also called: CEP164-related condition.

Submission:

PreventionGenetics, part of Exact Sciences
Classification: Likely pathogenic for CEP164-related condition. Last evaluated: 2026-04-30. Review status: criteria provided, single submitter. Criteria: ACMG Guidelines, 2015. Collection method: clinical testing. Allele origin: germline.
Comment: The CEP164 c.3748+1G>A variant is predicted to disrupt the GT donor site and interfere with normal splicing. To our knowledge, this variant has not been reported in the literature or in a large population database (gnomAD), indicating this variant is rare. Variants that disrupt the consensus splice donor site in CEP164 are expected to be pathogenic. This variant is interpreted as likely pathogenic.

NM_014956.5(CEP164):c.3748+1G>A

Gene: CEP164 (centrosomal protein 164; plus strand). Cytogenetic location: 11q23.3.
Variant type: single nucleotide variant.
Coding change: c.3748+1G>A on transcript NM_014956.5 (MANE Select); the canonical splice donor site of the intron after coding-DNA position 3748, G replaced by A.
Molecular consequence: splice donor variant. On other transcripts: intron variant (15).
Genome position (GRCh38, 1-based): chr11:117,409,029, G>A. VCF-style: chr11-117409029-G-A. GRCh37 (hg19) VCF-style: chr11-117279745-G-A.
Other names: c.3733+25G>A (NM_001271933.2); c.3565+25G>A (NM_001440972.1); c.3754+1G>A (NM_001440949.1); c.3586+25G>A (NM_001440967.1); c.3661+1G>A (NM_001440956.1); c.3748+1G>A (NM_001440950.1, NM_001440951.1); c.3724+25G>A (NM_001440953.1); c.3601+1G>A (NM_001440962.1, NM_001440963.1); and 21 more.
Identifiers: ClinVar variation 4993479 (VCV004993479.1).